The following is an entry in ClinVar:

NM_153240.5(NPHP3):c.523T>G (p.Phe175Val)

Genes: NPHP3 (nephrocystin 3; minus strand), NPHP3-ACAD11 (NPHP3-ACAD11 readthrough (NMD candidate); minus strand). Cytogenetic location: 3q22.1.
Variant type: single nucleotide variant.
Coding change: c.523T>G on transcript NM_153240.5 (MANE Select); coding-DNA position 523, T replaced by G.
Protein change: p.Phe175Val; replaces phenylalanine 175 with valine.
Molecular consequence: missense variant. On other transcripts: non-coding transcript variant (1).
Genome position (GRCh38, 1-based): chr3:132,719,141, A>C on the plus strand (T>G on the coding strand, the complement: NPHP3 is on the minus strand). VCF-style: chr3-132719141-A-C. GRCh37 (hg19) VCF-style: chr3-132437985-A-C.
Other names: short protein forms F175V.
Identifiers: ClinVar variation 2006026 (VCV002006026.4), dbSNP rs2530505151, ClinGen allele CA354587656.
Genomic context (GRCh38, chr3:132,719,141, plus strand): 5'-TCTCCAACTCCCTCTTGGCCCTCAGTAAGTCCTGAATTTCATTTTCTTTGGTCTCCCTAA[A>C]AATCTTTAAAAAGAATAATTTTAATGTTGAAAGCTTTTTCATAATCAAAAAGTTGTGTCA-3'
Protein context (NP_694972.3, residues 165-185): RDKVKRQFKI[Phe175Val]RETKENEIQD

ClinVar aggregate classification (germline): Uncertain significance (1 of 4 stars; one submission).

Conditions:
Nephronophthisis. Also called: Juvenile Nephronophthisis. Identifiers: Orphanet 655, MedGen C0687120, MONDO:0019005, HP:0000090.

Submission:

Labcorp Genetics (formerly Invitae), Labcorp
Classification: Uncertain significance for Nephronophthisis. Last evaluated: 2022-06-14. Review status: criteria provided, single submitter. Criteria: Invitae Variant Classification Sherloc (09022015). Collection method: clinical testing. Allele origin: germline.
Comment: This sequence change replaces phenylalanine, which is neutral and non-polar, with valine, which is neutral and non-polar, at codon 175 of the NPHP3 protein (p.Phe175Val). This variant is not present in population databases (gnomAD no frequency). This variant has not been reported in the literature in individuals affected with NPHP3-related conditions. Algorithms developed to predict the effect of missense changes on protein structure and function are either unavailable or do not agree on the potential impact of this missense change (SIFT: "Deleterious"; PolyPhen-2: "Probably Damaging"; Align-GVGD: "Class C0"). In summary, the available evidence is currently insufficient to determine the role of this variant in disease. Therefore, it has been classified as a Variant of Uncertain Significance.